The following is an entry in ClinVar:

ClinVar aggregate classification (germline): Uncertain significance. Review status: criteria provided, multiple submitters, no conflicts (2 of 4 stars). 3 submissions from 3 submitters: Uncertain significance (3). Last evaluated 2026-04-02.

Conditions:
Cardiovascular phenotype. Identifiers: MedGen CN230736.

Allele frequency attached by ClinVar (database versions not stated): ExAC 0.00001.
gnomAD v4.1: 15 of 1,613,790 alleles (0.00093%); highest among the groups gnomAD compares: Non-Finnish European, 0.00093%; no homozygotes.

Submissions (3):

GeneDx
Classification: Uncertain significance. Last evaluated: 2026-04-02. Review status: criteria provided, single submitter. Criteria: GeneDx Variant Classification Process June 2021. Collection method: clinical testing. Allele origin: germline.
Comment: Not observed at significant frequency in large population cohorts (gnomAD); Has not been previously published as pathogenic or benign to our knowledge; In silico analysis does not support a benign or deleterious effect of this variant on protein structure/function

Blueprint Genetics
Classification: Uncertain significance. Last evaluated: 2024-06-03. Review status: criteria provided, single submitter. Criteria: ACMG Guidelines, 2015. Collection method: clinical testing. Allele origin: germline.

Ambry Genetics
Classification: Uncertain significance for Cardiovascular phenotype. Last evaluated: 2022-05-10. Review status: criteria provided, single submitter. Criteria: Ambry Variant Classification Scheme 2023. Collection method: clinical testing. Allele origin: germline.

NM_001378454.1(ALMS1):c.8309C>A (p.Ser2770Tyr)

Gene: ALMS1 (ALMS1 centrosome and basal body associated protein; plus strand). Cytogenetic location: 2p13.1.
Variant type: single nucleotide variant.
Coding change: c.8309C>A on transcript NM_001378454.1 (MANE Select); coding-DNA position 8309, C replaced by A.
Protein change: p.Ser2770Tyr; replaces serine 2770 with tyrosine.
Molecular consequence: missense variant.
Genome position (GRCh38, 1-based): chr2:73,490,268, C>A. VCF-style: chr2-73490268-C-A. GRCh37 (hg19) VCF-style: chr2-73717395-C-A.
Other names: c.8312C>A, p.Ser2771Tyr (NM_015120.4); short protein forms S2771Y, S2770Y.
Identifiers: ClinVar variation 2283901 (VCV002283901.4), dbSNP rs771367971, ClinGen allele CA1714443.